The following is an entry in ClinVar:

ClinVar aggregate classification (germline): Uncertain significance (1 of 4 stars; one submission).

Conditions:
Pitt-Hopkins-like syndrome 2 (PTHSL2). Identifiers: Orphanet 221150, Orphanet 600663, MedGen C3280479, MONDO:0013690, OMIM 614325.

Allele frequency attached by ClinVar (database versions not stated): TOPMed below 0.00001.
gnomAD v4.1: 1 of 1,600,796 alleles (0.000062%); highest among the groups gnomAD compares: Non-Finnish European, 0.000085%; no homozygotes.

Submission:

Labcorp Genetics (formerly Invitae), Labcorp
Classification: Uncertain significance for Pitt-Hopkins-like syndrome 2. Last evaluated: 2024-11-04. Review status: criteria provided, single submitter. Criteria: Invitae Variant Classification Sherloc (09022015). Collection method: clinical testing. Allele origin: germline.
Comment: This sequence change replaces phenylalanine, which is neutral and non-polar, with leucine, which is neutral and non-polar, at codon 93 of the NRXN1 protein (p.Phe93Leu). This variant is not present in population databases (gnomAD no frequency). This variant has not been reported in the literature in individuals affected with NRXN1-related conditions. ClinVar contains an entry for this variant (Variation ID: 2818159). An algorithm developed to predict the effect of missense changes on protein structure and function (PolyPhen-2) suggests that this variant is likely to be disruptive. In summary, the available evidence is currently insufficient to determine the role of this variant in disease. Therefore, it has been classified as a Variant of Uncertain Significance.

NM_001330078.2(NRXN1):c.279C>G (p.Phe93Leu)

Gene: NRXN1 (neurexin 1; minus strand). Cytogenetic location: 2p16.3.
Variant type: single nucleotide variant.
Coding change: c.279C>G on transcript NM_001330078.2 (MANE Select); coding-DNA position 279, C replaced by G.
Protein change: p.Phe93Leu; replaces phenylalanine 93 with leucine.
Molecular consequence: missense variant.
Genome position (GRCh38, 1-based): chr2:51,027,995, G>C on the plus strand (C>G on the coding strand, the complement: NRXN1 is on the minus strand). VCF-style: chr2-51027995-G-C. GRCh37 (hg19) VCF-style: chr2-51255133-G-C.
Other names: c.279C>G, p.Phe93Leu (NM_001135659.3, NM_001330077.2, NM_001330079.2 and 15 more transcripts); short protein forms F93L.
Identifiers: ClinVar variation 2818159 (VCV002818159.3), dbSNP rs200797922, ClinGen allele CA48054925.